The following is an entry in ClinVar:

NM_003737.4(DCHS1):c.1594A>G (p.Thr532Ala)

Gene: DCHS1 (dachsous cadherin-related 1; minus strand). Cytogenetic location: 11p15.4.
Variant type: single nucleotide variant.
Coding change: c.1594A>G on transcript NM_003737.4 (MANE Select); coding-DNA position 1594, A replaced by G.
Protein change: p.Thr532Ala; replaces threonine 532 with alanine.
Molecular consequence: missense variant.
Genome position (GRCh38, 1-based): chr11:6,640,020, T>C on the plus strand (A>G on the coding strand, the complement: DCHS1 is on the minus strand). VCF-style: chr11-6640020-T-C. GRCh37 (hg19) VCF-style: chr11-6661251-T-C.
Other names: short protein forms T532A.
Identifiers: ClinVar variation 3683744 (VCV003683744.2).

ClinVar aggregate classification (germline): Uncertain significance (1 of 4 stars; one submission).

gnomAD v4.1: 1 of 1,613,808 alleles (0.000062%); no homozygotes.

Submission:

Labcorp Genetics (formerly Invitae), Labcorp
Classification: Uncertain significance. Last evaluated: 2024-12-18. Review status: criteria provided, single submitter. Criteria: Invitae Variant Classification Sherloc (09022015). Collection method: clinical testing. Allele origin: germline.
Comment: This sequence change replaces threonine, which is neutral and polar, with alanine, which is neutral and non-polar, at codon 532 of the DCHS1 protein (p.Thr532Ala). This variant is not present in population databases (gnomAD no frequency). This variant has not been reported in the literature in individuals affected with DCHS1-related conditions. Invitae Evidence Modeling of protein sequence and biophysical properties (such as structural, functional, and spatial information, amino acid conservation, physicochemical variation, residue mobility, and thermodynamic stability) indicates that this missense variant is expected to disrupt DCHS1 protein function with a positive predictive value of 80%. In summary, the available evidence is currently insufficient to determine the role of this variant in disease. Therefore, it has been classified as a Variant of Uncertain Significance.